The following is an entry in ClinVar:

NM_013372.7(GREM1):c.388C>T (p.His130Tyr)

Gene: GREM1 (gremlin 1, DAN family BMP antagonist; plus strand). Cytogenetic location: 15q13.3.
Variant type: single nucleotide variant.
Coding change: c.388C>T on transcript NM_013372.7 (MANE Select); coding-DNA position 388, C replaced by T.
Protein change: p.His130Tyr; replaces histidine 130 with tyrosine.
Molecular consequence: missense variant.
Genome position (GRCh38, 1-based): chr15:32,731,078, C>T. VCF-style: chr15-32731078-C-T. GRCh37 (hg19) VCF-style: chr15-33023279-C-T.
Other names: c.178C>T, p.His60Tyr (NM_001191322.2); c.265C>T, p.His89Tyr (NM_001191323.2); c.388C>T, p.His130Tyr (NM_001368719.1); short protein forms H130Y, H60Y, H89Y.
Identifiers: ClinVar variation 3226265 (VCV003226265.2), dbSNP rs1468958267, ClinGen allele CA391557837.

ClinVar aggregate classification (germline): Uncertain significance (1 of 4 stars; one submission).

Conditions:
Hereditary cancer-predisposing syndrome. Also called: Neoplastic Syndromes, Hereditary; Tumor predisposition; Hereditary neoplastic syndrome; Hereditary Cancer Syndrome. Identifiers: Orphanet 140162, MedGen C0027672, MeSH D009386, MONDO:0015356.

Allele frequency attached by ClinVar (database versions not stated): gnomAD exomes below 0.00001; gnomAD 0.00001.

Submission:

Ambry Genetics
Classification: Uncertain significance for Hereditary cancer-predisposing syndrome. Last evaluated: 2025-10-05. Review status: criteria provided, single submitter. Criteria: Ambry Variant Classification Scheme 2023. Collection method: clinical testing. Allele origin: germline.
Comment: The p.H130Y variant (also known as c.388C>T), located in coding exon 1 of the GREM1 gene, results from a C to T substitution at nucleotide position 388. The histidine at codon 130 is replaced by tyrosine, an amino acid with similar properties. This amino acid position is conserved. In addition, this alteration is predicted to be tolerated by in silico analysis. Since supporting evidence is limited at this time, the clinical significance of this alteration remains unclear.